The following is an entry in ClinVar:

NM_001271.4(CHD2):c.3968A>G (p.Lys1323Arg)

Gene: CHD2 (chromodomain helicase DNA binding protein 2; plus strand). Cytogenetic location: 15q26.1.
Variant type: single nucleotide variant.
Coding change: c.3968A>G on transcript NM_001271.4 (MANE Select); coding-DNA position 3968, A replaced by G.
Protein change: p.Lys1323Arg; replaces lysine 1323 with arginine.
Molecular consequence: missense variant.
Genome position (GRCh38, 1-based): chr15:92,998,581, A>G. VCF-style: chr15-92998581-A-G. GRCh37 (hg19) VCF-style: chr15-93541811-A-G.
Other names: short protein forms K1323R.
Identifiers: ClinVar variation 3718024 (VCV003718024.2).

ClinVar aggregate classification (germline): Uncertain significance (1 of 4 stars; one submission).

Conditions:
Developmental and epileptic encephalopathy 94 (DEE94). Also called: Epileptic encephalopathy, childhood-onset; CHD2-Related Neurodevelopmental Disorders. Identifiers: Orphanet 1942, Orphanet 2382, MedGen C3809278, MONDO:0014150, OMIM 615369.

Submission:

Labcorp Genetics (formerly Invitae), Labcorp
Classification: Uncertain significance for Developmental and epileptic encephalopathy 94. Last evaluated: 2024-07-20. Review status: criteria provided, single submitter. Criteria: Invitae Variant Classification Sherloc (09022015). Collection method: clinical testing. Allele origin: germline.
Comment: This sequence change replaces lysine, which is basic and polar, with arginine, which is basic and polar, at codon 1323 of the CHD2 protein (p.Lys1323Arg). This variant is not present in population databases (gnomAD no frequency). This variant has not been reported in the literature in individuals affected with CHD2-related conditions. Advanced modeling of protein sequence and biophysical properties (such as structural, functional, and spatial information, amino acid conservation, physicochemical variation, residue mobility, and thermodynamic stability) performed at Invitae indicates that this missense variant is not expected to disrupt CHD2 protein function with a negative predictive value of 95%. In summary, the available evidence is currently insufficient to determine the role of this variant in disease. Therefore, it has been classified as a Variant of Uncertain Significance.